The following is an entry in ClinVar:

NM_016239.4(MYO15A):c.7853A>C (p.Lys2618Thr)

Gene: MYO15A (myosin XVA; plus strand). Cytogenetic location: 17p11.2.
Variant type: single nucleotide variant.
Coding change: c.7853A>C on transcript NM_016239.4 (MANE Select); coding-DNA position 7853, A replaced by C.
Protein change: p.Lys2618Thr; replaces lysine 2618 with threonine.
Molecular consequence: missense variant.
Genome position (GRCh38, 1-based): chr17:18,151,911, A>C. VCF-style: chr17-18151911-A-C. GRCh37 (hg19) VCF-style: chr17-18055225-A-C.
Other names: short protein forms K2618T.
Identifiers: ClinVar variation 1966370 (VCV001966370.5), dbSNP rs2545288200, ClinGen allele CA398621758.

ClinVar aggregate classification (germline): Uncertain significance (1 of 4 stars; one submission).

gnomAD v4.1: 1 of 1,572,974 alleles (0.000064%); no homozygotes.

Submission:

Labcorp Genetics (formerly Invitae), Labcorp
Classification: Uncertain significance. Last evaluated: 2022-07-19. Review status: criteria provided, single submitter. Criteria: Invitae Variant Classification Sherloc (09022015). Collection method: clinical testing. Allele origin: germline.
Comment: This sequence change replaces lysine, which is basic and polar, with threonine, which is neutral and polar, at codon 2618 of the MYO15A protein (p.Lys2618Thr). This variant is not present in population databases (gnomAD no frequency). This variant has not been reported in the literature in individuals affected with MYO15A-related conditions. Advanced modeling of protein sequence and biophysical properties (such as structural, functional, and spatial information, amino acid conservation, physicochemical variation, residue mobility, and thermodynamic stability) performed at Invitae indicates that this missense variant is not expected to disrupt MYO15A protein function. Algorithms developed to predict the effect of sequence changes on RNA splicing suggest that this variant may create or strengthen a splice site. In summary, the available evidence is currently insufficient to determine the role of this variant in disease. Therefore, it has been classified as a Variant of Uncertain Significance.